The following is an entry in ClinVar:

NM_024063.3(AFG2B):c.204G>A (p.Ala68=)

Gene: AFG2B (AAA ATPase AFG2B; plus strand). Cytogenetic location: 15q21.1.
Variant type: single nucleotide variant.
Coding change: c.204G>A on transcript NM_024063.3 (MANE Select); coding-DNA position 204, G replaced by A.
Protein change: p.Ala68=; no amino-acid change (alanine 68 retained).
Molecular consequence: synonymous variant. On other transcripts: non-coding transcript variant (5).
Genome position (GRCh38, 1-based): chr15:45,402,633, G>A. VCF-style: chr15-45402633-G-A. GRCh37 (hg19) VCF-style: chr15-45694831-G-A.
Other names: c.204G>A, p.Ala68= (NM_001323640.2).
Identifiers: ClinVar variation 4535490 (VCV004535490.1).
Genomic context (GRCh38, chr15:45,402,633, plus strand): 5'-GATCTCGCTACCCGACGGCGGCTCCTGCCTCTGCACTGCCTGGCCTCGGCGGGACGGAGC[G>A]GACGGCTTTGTGCAGCTGGACCCGCTGTGCGCGAGCCCCGGGGCGGCGGTCGGGGCGTCG-3'
Protein context (NP_076968.2, residues 58-78): LCTAWPRRDG[Ala68=]DGFVQLDPLC

ClinVar aggregate classification (germline): Likely benign (1 of 4 stars; one submission).

gnomAD v4.1: 8 of 1,577,764 alleles (0.00051%); highest among the groups gnomAD compares: Admixed American, 0.0089%; no homozygotes.

Submission:

Women's Health and Genetics/Laboratory Corporation of America, LabCorp
Classification: Likely benign. Last evaluated: 2025-09-16. Review status: criteria provided, single submitter. Criteria: LabCorp Variant Classification Summary - May 2015. Collection method: clinical testing. Allele origin: germline.
Comment: Variant summary: AFG2B c.204G>A alters a conserved nucleotide resulting in a synonymous change. The frequency data for this variant in gnomAD is considered unreliable, as metrics indicate poor data quality at this position. To our knowledge, no occurrence of c.204G>A in individuals affected with AFG2B-related conditions and no experimental evidence demonstrating its impact on protein function have been reported. No submitters have cited clinical-significance assessments for this variant to ClinVar. Based on the evidence outlined above, the variant was classified as likely benign.